The following is an entry in ClinVar:

NM_000038.6(APC):c.3473_3474del (p.Arg1158fs)

Gene: APC (APC regulator of Wnt signaling pathway; plus strand). Cytogenetic location: 5q22.2.
Variant type: Microsatellite.
Coding change: c.3473_3474del on transcript NM_000038.6 (MANE Select); coding-DNA positions 3473 to 3474, 2 bases deleted (GA; older notation c.3473_3474delGA).
Protein change: p.Arg1158fs; shifts the reading frame from arginine 1158.
Molecular consequence: frameshift variant.
Genome position (GRCh38, 1-based): chr5:112,839,067-112,839,068, GA deleted; deleting any 2 consecutive bases within chr5:112,839,062-112,839,068 gives the same sequence; the c. name uses the placement nearest the transcript's 3' end. VCF-style (leftmost placement, unchanged base first): chr5-112839061-AAG-A. GRCh37 (hg19) VCF-style: chr5-112174758-AAG-A.
Other names: c.3473_3474del, p.Arg1158fs (NM_001127510.3, NM_001354895.2); c.3419_3420del, p.Arg1140fs (NM_001127511.3); c.3527_3528del, p.Arg1176fs (NM_001354896.2); c.3503_3504del, p.Arg1168fs (NM_001354897.2); c.3398_3399del, p.Arg1133fs (NM_001354898.2); c.3389_3390del, p.Arg1130fs (NM_001354899.2); c.3350_3351del, p.Arg1117fs (NM_001354900.2); c.3296_3297del, p.Arg1099fs (NM_001354901.2); and 5 more; short protein forms R1032fs, R1057fs, R1117fs, R1130fs, R1133fs, R1176fs, R1067fs, R1158fs.
Identifiers: ClinVar variation 411546 (VCV000411546.15), dbSNP rs786203020, ClinGen allele CA16611647.

ClinVar aggregate classification (germline): Pathogenic. Review status: criteria provided, multiple submitters, no conflicts (2 of 4 stars). 3 submissions from 3 submitters: Pathogenic (3). Last evaluated 2025-07-02.

Conditions:
Familial adenomatous polyposis 1 (FAP1). Also called: FAMILIAL ADENOMATOUS POLYPOSIS 1, ATTENUATED; POLYPOSIS, ADENOMATOUS INTESTINAL. Identifiers: MedGen C2713442, MONDO:0021056, OMIM 175100. Disease mechanism: loss of function.
Hereditary cancer-predisposing syndrome. Also called: Tumor predisposition; Hereditary Cancer Syndrome; Hereditary neoplastic syndrome; Neoplastic Syndromes, Hereditary. Identifiers: Orphanet 140162, MedGen C0027672, MeSH D009386, MONDO:0015356.

Submissions (3):

Labcorp Genetics (formerly Invitae), Labcorp
Classification: Pathogenic for Familial adenomatous polyposis 1. Last evaluated: 2025-07-02. Review status: criteria provided, single submitter. Criteria: Invitae Variant Classification Sherloc (09022015). Collection method: clinical testing. Allele origin: germline.
Comment: This sequence change creates a premature translational stop signal (p.Arg1158Thrfs*5) in the APC gene. While this is not anticipated to result in nonsense mediated decay, it is expected to disrupt the last 1686 amino acid(s) of the APC protein. This variant is not present in population databases (gnomAD no frequency). This premature translational stop signal has been observed in individual(s) with familial adenomatous polyposis (FAP) (PMID: 14729851, 20685668, 26446593). This variant is expected to disrupt the EB1 and HDLG binding sites, which mediate interactions with the cytoskeleton (PMID: 15311282, 17293347). While functional studies have not been performed to directly test the effect on APC protein function, this suggests that disruption of the C-terminal portion of the protein is functionally important. A different truncation (p.Tyr2645Lysfs*14) that lies downstream of this variant has been determined to be pathogenic (PMID: 9824584, 1316610, 27081525, 8381579, 22135120, internal data). This suggests that deletion of this region of the APC protein is causative of disease. For these reasons, this variant has been classified as Pathogenic.

Myriad Genetics, Inc.
Classification: Pathogenic for Familial adenomatous polyposis 1. Last evaluated: 2023-05-08. Review status: criteria provided, single submitter. Criteria: Myriad Autosomal Dominant, Autosomal Recessive and X-Linked Classification Criteria (2023). Collection method: clinical testing. Allele origin: unknown.
Comment: This variant is considered pathogenic. This variant creates a frameshift predicted to result in premature protein truncation.

Ambry Genetics
Classification: Pathogenic for Hereditary cancer-predisposing syndrome. Last evaluated: 2017-01-06. Review status: criteria provided, single submitter. Criteria: Ambry Variant Classification Scheme 2023. Collection method: clinical testing. Allele origin: germline.
Comment: The c.3473_3474delGA pathogenic mutation, located in coding exon 15 of the APC gene, results from a deletion of two nucleotides at nucleotide positions 3473 to 3474, causing a translational frameshift with a predicted alternate stop codon (p.R1158Tfs*5). This alteration has been reported in multiple unrelated probands from FAP families (Papp J et al. Fam. Cancer, 2016 Jan;15:85-97; Plawski A et al. J. Med. Genet., 2004 Jan;41:e11; Plawski A et al. J. Appl. Genet., 2008;49:407-14). In addition to the clinical data presented in the literature, this alteration is expected to result in loss of function by premature protein truncation or nonsense-mediated mRNA decay. As such, this alteration is interpreted as a disease-causing mutation.

Literature cited by the submitters: PubMed 14729851 (cited by Labcorp Genetics (formerly Invitae), Labcorp and Ambry Genetics); PubMed 20685668 (cited by Labcorp Genetics (formerly Invitae), Labcorp); PubMed 26446593 (cited by Labcorp Genetics (formerly Invitae), Labcorp and Ambry Genetics); PubMed 15311282 (cited by Labcorp Genetics (formerly Invitae), Labcorp); PubMed 17293347 (cited by Labcorp Genetics (formerly Invitae), Labcorp); PubMed 9824584 (cited by Labcorp Genetics (formerly Invitae), Labcorp); PubMed 1316610 (cited by Labcorp Genetics (formerly Invitae), Labcorp); PubMed 27081525 (cited by Labcorp Genetics (formerly Invitae), Labcorp); PubMed 8381579 (cited by Labcorp Genetics (formerly Invitae), Labcorp); PubMed 22135120 (cited by Labcorp Genetics (formerly Invitae), Labcorp); PubMed 19029688 (cited by Ambry Genetics).